The following is an entry in ClinVar:

NM_001008537.3(NEXMIF):c.2422C>T (p.Pro808Ser)

Gene: NEXMIF (neurite extension and migration factor; minus strand). Cytogenetic location: Xq13.3.
Variant type: single nucleotide variant.
Coding change: c.2422C>T on transcript NM_001008537.3 (MANE Select); coding-DNA position 2422, C replaced by T.
Protein change: p.Pro808Ser; replaces proline 808 with serine.
Molecular consequence: missense variant.
Genome position (GRCh38, 1-based): chrX:74,742,135, G>A on the plus strand (C>T on the coding strand, the complement: NEXMIF is on the minus strand). VCF-style: chrX-74742135-G-A. GRCh37 (hg19) VCF-style: chrX-73961970-G-A.
Other names: short protein forms P808S.
Identifiers: ClinVar variation 4735156 (VCV004735156.1).

ClinVar aggregate classification (germline): Uncertain significance (1 of 4 stars; one submission).

Submission:

Labcorp Genetics (formerly Invitae), Labcorp
Classification: Uncertain significance. Last evaluated: 2026-01-18. Review status: criteria provided, single submitter. Criteria: Invitae Variant Classification Sherloc (09022015). Collection method: clinical testing. Allele origin: germline.
Comment: This sequence change replaces proline, which is neutral and non-polar, with serine, which is neutral and polar, at codon 808 of the NEXMIF protein (p.Pro808Ser). This variant is not present in population databases (gnomAD no frequency). This variant has not been reported in the literature in individuals affected with NEXMIF-related conditions. An algorithm developed to predict the effect of missense changes on protein structure and function (PolyPhen-2) suggests that this variant is likely to be disruptive. In summary, the available evidence is currently insufficient to determine the role of this variant in disease. Therefore, it has been classified as a Variant of Uncertain Significance.